The following is an entry in ClinVar:

NM_001048174.2(MUTYH):c.480G>T (p.Glu160Asp)

Gene: MUTYH (mutY DNA glycosylase; minus strand). Cytogenetic location: 1p34.1.
Variant type: single nucleotide variant.
Coding change: c.480G>T on transcript NM_001048174.2 (MANE Select); coding-DNA position 480, G replaced by T.
Protein change: p.Glu160Asp; replaces glutamic acid 160 with aspartic acid.
Molecular consequence: missense variant. On other transcripts: non-coding transcript variant (7).
Genome position (GRCh38, 1-based): chr1:45,332,775, C>A on the plus strand (G>T on the coding strand, the complement: MUTYH is on the minus strand). VCF-style: chr1-45332775-C-A. GRCh37 (hg19) VCF-style: chr1-45798447-C-A.
Other names: c.204G>T, p.Glu68Asp (NM_001293192.2, NM_001293196.2, NM_001407091.1); c.480G>T, p.Glu160Asp (NM_001293195.2, NM_001407070.1, NM_001407072.1 and 6 more transcripts); c.135G>T, p.Glu45Asp (NM_001350650.2, NM_001350651.2, NM_001407082.1); c.513G>T, p.Glu171Asp (NM_001407069.1, NM_001293191.2, NM_001407077.1); c.483G>T, p.Glu161Asp (NM_001407071.1, NM_001407086.1, NM_001048172.2 and 1 more transcripts); c.501G>T, p.Glu167Asp (NM_001407087.1); c.555G>T, p.Glu185Asp (NM_012222.3); c.564G>T, p.Glu188Asp (NM_001128425.2); and 5 more; short protein forms E146D, E147D, E174D, E45D, E167D, E171D, E161D, E185D.
Identifiers: ClinVar variation 4113731 (VCV004113731.1).

ClinVar aggregate classification (germline): Uncertain significance (1 of 4 stars; one submission).

Conditions:
Hereditary cancer-predisposing syndrome. Also called: Hereditary neoplastic syndrome; Neoplastic Syndromes, Hereditary; Tumor predisposition; Hereditary Cancer Syndrome. Identifiers: Orphanet 140162, MedGen C0027672, MeSH D009386, MONDO:0015356.

Submission:

Ambry Genetics
Classification: Uncertain significance for Hereditary cancer-predisposing syndrome. Last evaluated: 2025-08-27. Review status: criteria provided, single submitter. Criteria: Ambry Variant Classification Scheme 2023. Collection method: clinical testing. Allele origin: germline.
Comment: The p.E188D variant (also known as c.564G>T), located in coding exon 7 of the MUTYH gene, results from a G to T substitution at nucleotide position 564. The glutamic acid at codon 188 is replaced by aspartic acid, an amino acid with highly similar properties. This amino acid position is conserved. In addition, this alteration is predicted to be tolerated by in silico analysis. Based on the available evidence, the clinical significance of this variant remains unclear.